The following is an entry in ClinVar:

ClinVar aggregate classification (germline): Likely benign (1 of 4 stars; one submission).

Conditions:
Macular degeneration. Also called: Degenerative disorder of macula. Identifiers: MedGen C0024437, MONDO:0003004, HP:0000608.

Allele frequency attached by ClinVar (database versions not stated): TOPMed 0.00131; 1000 Genomes Project 30x 0.00468; 1000 Genomes Project 0.00519; gnomAD 0.00055 and 0.00089.
gnomAD v4.1: 492 of 413,238 alleles (0.12%); highest among the groups gnomAD compares: East Asian, 2.1%; 3 homozygotes.

Submission:

Illumina Laboratory Services, Illumina
Classification: Likely benign for Macular degeneration. Last evaluated: 2017-04-27. Review status: criteria provided, single submitter. Criteria: ICSL Variant Classification Criteria 13 December 2019. Collection method: clinical testing. Allele origin: germline.
Comment: This variant was observed as part of a predisposition screen in an ostensibly healthy population. A literature search was performed for the gene, cDNA change, and amino acid change (where applicable). No publications were found based on this search. Allele frequency data from public databases allowed determination this variant is unlikely to cause disease. Therefore, this variant is classified as likely benign.

NM_002775.5(HTRA1):c.*296C>G

Gene: HTRA1 (HtrA serine peptidase 1; plus strand). Cytogenetic location: 10q26.13.
Variant type: single nucleotide variant.
Coding change: c.*296C>G on transcript NM_002775.5 (MANE Select); 296 bases downstream of the stop codon, C replaced by G.
Molecular consequence: 3 prime UTR variant.
Genome position (GRCh38, 1-based): chr10:122,514,655, C>G. VCF-style: chr10-122514655-C-G. GRCh37 (hg19) VCF-style: chr10-124274171-C-G.
Identifiers: ClinVar variation 299058 (VCV000299058.5), dbSNP rs28665753, ClinGen allele CA10628138.
Genomic context (GRCh38, chr10:122,514,655, plus strand): 5'-TTTTTCTTGCCAGCTTGGGCCATTCTTGCTTAGACAGTCAGCATTTGTCTCCTCCTTTAA[C>G]TGAGTCATCATCTTAGTCCAACTAATGCAGTCGATACAATGCGTAGATAGAAGAAGCCCC-3'